The following is an entry in ClinVar:

ClinVar aggregate classification (germline): Uncertain significance (1 of 4 stars; one submission).

Conditions:
RAI1-related disorder. Also called: RAI1-related condition.

Submission:

PreventionGenetics, part of Exact Sciences
Classification: Uncertain significance for RAI1-related condition. Last evaluated: 2025-05-08. Review status: criteria provided, single submitter. Criteria: ACMG Guidelines, 2015. Collection method: clinical testing. Allele origin: germline.
Comment: The RAI1 c.2862G>C variant is predicted to result in the amino acid substitution p.Glu954Asp. To our knowledge, this variant has not been reported in the literature or in a large population database (gnomAD), indicating this variant is rare. At this time, the clinical significance of this variant is uncertain due to the absence of conclusive functional and genetic evidence.

NM_030665.4(RAI1):c.2862G>C (p.Glu954Asp)

Gene: RAI1 (retinoic acid induced 1; plus strand). Cytogenetic location: 17p11.2.
Variant type: single nucleotide variant.
Coding change: c.2862G>C on transcript NM_030665.4 (MANE Select); coding-DNA position 2862, G replaced by C.
Protein change: p.Glu954Asp; replaces glutamic acid 954 with aspartic acid.
Molecular consequence: missense variant.
Genome position (GRCh38, 1-based): chr17:17,795,810, G>C. VCF-style: chr17-17795810-G-C. GRCh37 (hg19) VCF-style: chr17-17699124-G-C.
Other names: short protein forms E954D.
Identifiers: ClinVar variation 4999030 (VCV004999030.1).